The following is an entry in ClinVar:

NM_000558.3(HBA1):c.226G>T (p.Asp76Tyr)

Genes: HBA1 (hemoglobin subunit alpha 1; plus strand), LOC106804613 (hemoglobin subunit alpha 1 recombination region; plus strand). Cytogenetic location: 16p13.3.
Variant type: single nucleotide variant.
Coding change: c.226G>T on transcript NM_000558.3; coding-DNA position 226, G replaced by T.
Protein change: p.Asp76Tyr; replaces aspartic acid 76 with tyrosine.
Molecular consequence: missense variant (on NM_000558.5).
Genome position (GRCh38, 1-based): chr16:177,059, G>T. VCF-style: chr16-177059-G-T. GRCh37 (hg19) VCF-style: chr16-227058-G-T.
Other names: D75Y; c.226G>T, p.Asp76Tyr (NM_000558.5); short protein forms D76Y.
Identifiers: ClinVar variation 15834 (VCV000015834.13), dbSNP rs33977363, ClinGen allele CA125923.

ClinVar aggregate classification (germline): Conflicting classifications of pathogenicity. Review status: criteria provided, conflicting classifications (1 of 4 stars). 3 submissions from 3 submitters: Uncertain significance (1); Likely benign (1). 1 of the submissions does not count toward it. Last evaluated 2024-08-07.

Conditions:
HEMOGLOBIN WINNIPEG.

Allele frequency attached by ClinVar (database versions not stated): TOPMed below 0.00001; gnomAD 0.00001.
gnomAD v4.1: 13 of 1,510,168 alleles (0.00086%); highest among the groups gnomAD compares: Non-Finnish European, 0.00098%; no homozygotes.

Submissions (3):

ARUP Laboratories, Molecular Genetics and Genomics, ARUP Laboratories
Classification: Likely benign. Last evaluated: 2024-08-07. Review status: criteria provided, single submitter. Criteria: ARUP Molecular Germline Variant Investigation Process 2024. Collection method: clinical testing. Allele origin: germline.
Comment: The Hb Winnipeg variant (HBA1: c.226G>T; p.Asp76Tyr, also known as Asp75Tyr when numbered from the mature protein, rs33977363, HbVar ID: 113) is reported in the literature in multiple individuals with no clinical symptoms and does not contribute to the clinical phenotype when found with the 3.7kb alpha globin deletion (Nakatsuji 1983, Moradkhani 2009, HbVar database and references therein). This variant is reported in ClinVar (Variation ID: 15834) but is absent from the Genome Aggregation Database (v2.1.1), indicating it is not a common polymorphism. Computational analyses predict that this variant is deleterious (REVEL: 0.751), though functional properties of Hb Winnipeg are reported as normal and stable (Nakatsuji 1983, Moradkhani 2009, HbVar database and references therein). Based on available information, this variant is considered to be likely benign. REFERENCES Link to HbVar: Moradkhani K et al. Mutations in the paralogous human alpha-globin genes yielding identical hemoglobin variants. Ann Hematol. 2009 Jun;88(6):535-43. PMID: 18923834. Nakatsuji T et al. Hb Winnipeg or alpha 2 75(EF4) Asp leads to Tyr beta 2 in a large Caucasian family living in Georgia, USA. Hemoglobin. 1983;7(1):105-10. PMID: 6841125.

Quest Diagnostics Nichols Institute San Juan Capistrano
Classification: Uncertain significance. Last evaluated: 2024-02-09. Review status: criteria provided, single submitter. Criteria: Quest Diagnostics criteria. Collection method: clinical testing. Allele origin: unknown.
Comment: The HBA1 c.226G>T (p.Asp76Tyr) variant (also known as Hb Winnipeg) has been described to have normal stability and oxygen affinity (PMID: 6841125 (1983)). Individuals who are heterozygous for this variant have a normal clinical presentation (PMIDs: 6841125 (1983), 4728965 (1973)). This variant has not been reported in large, multi-ethnic general populations (Genome Aggregation Database). Based on the available information, we are unable to determine the clinical significance of this variant.

OMIM
Classification: other for HEMOGLOBIN WINNIPEG. Last evaluated: 2016-07-20. Review status: no assertion criteria provided. Collection method: literature only. Allele origin: germline. Not counted in ClinVar's aggregate classification.

Literature cited by the submitters: PubMed 6841125 (cited by Quest Diagnostics Nichols Institute San Juan Capistrano and OMIM); PubMed 4728965 (cited by Quest Diagnostics Nichols Institute San Juan Capistrano and OMIM); PubMed 2752146 (cited by Quest Diagnostics Nichols Institute San Juan Capistrano and OMIM); PubMed 32597250 (cited by Quest Diagnostics Nichols Institute San Juan Capistrano); PubMed 18923834 (cited by Quest Diagnostics Nichols Institute San Juan Capistrano); PubMed 25130136 (cited by Quest Diagnostics Nichols Institute San Juan Capistrano).